The following is an entry in ClinVar:

NM_177438.3(DICER1):c.83T>C (p.Phe28Ser)

Gene: DICER1 (dicer 1, ribonuclease III; minus strand). Cytogenetic location: 14q32.13.
Variant type: single nucleotide variant.
Coding change: c.83T>C on transcript NM_177438.3 (MANE Select); coding-DNA position 83, T replaced by C.
Protein change: p.Phe28Ser; replaces phenylalanine 28 with serine.
Molecular consequence: missense variant.
Genome position (GRCh38, 1-based): chr14:95,133,376, A>G on the plus strand (T>C on the coding strand, the complement: DICER1 is on the minus strand). VCF-style: chr14-95133376-A-G. GRCh37 (hg19) VCF-style: chr14-95599713-A-G.
Other names: c.83T>C, p.Phe28Ser (NM_001195573.1, NM_001271282.3, NM_001291628.2 and 1 more transcripts); short protein forms F28S.
Identifiers: ClinVar variation 412135 (VCV000412135.15), dbSNP rs61729796, ClinGen allele CA7331749.

ClinVar aggregate classification (germline): Uncertain significance. Review status: criteria provided, multiple submitters, no conflicts (2 of 4 stars). 3 submissions from 3 submitters: Uncertain significance (3). Last evaluated 2025-09-11.

Conditions:
Hereditary cancer-predisposing syndrome. Also called: Hereditary neoplastic syndrome; Neoplastic Syndromes, Hereditary; Tumor predisposition; Hereditary Cancer Syndrome. Identifiers: Orphanet 140162, MedGen C0027672, MeSH D009386, MONDO:0015356.
DICER1-related tumor predisposition. Also called: DICER1-related pleuropulmonary blastoma cancer predisposition syndrome; DICER1 syndrome. Identifiers: Orphanet 284343, MedGen C3839822, MONDO:0100216.

Allele frequency attached by ClinVar (database versions not stated): gnomAD exomes below 0.00001; ExAC 0.00001; TOPMed 0.00001.
gnomAD v4.1: 26 of 1,614,054 alleles (0.0016%); highest among the groups gnomAD compares: Non-Finnish European, 0.0019%; no homozygotes.

Submissions (3):

Labcorp Genetics (formerly Invitae), Labcorp
Classification: Uncertain significance for DICER1-related tumor predisposition. Last evaluated: 2025-09-11. Review status: criteria provided, single submitter. Criteria: Invitae Variant Classification Sherloc (09022015). Collection method: clinical testing. Allele origin: germline.
Comment: This sequence change replaces phenylalanine, which is neutral and non-polar, with serine, which is neutral and polar, at codon 28 of the DICER1 protein (p.Phe28Ser). This variant is present in population databases (rs61729796, gnomAD 0.0009%). This variant has not been reported in the literature in individuals affected with DICER1-related conditions. ClinVar contains an entry for this variant (Variation ID: 412135). Invitae Evidence Modeling of protein sequence and biophysical properties (such as structural, functional, and spatial information, amino acid conservation, physicochemical variation, residue mobility, and thermodynamic stability) indicates that this missense variant is not expected to disrupt DICER1 protein function with a negative predictive value of 95%. In summary, the available evidence is currently insufficient to determine the role of this variant in disease. Therefore, it has been classified as a Variant of Uncertain Significance.

Ambry Genetics
Classification: Uncertain significance for Hereditary cancer-predisposing syndrome. Last evaluated: 2024-12-08. Review status: criteria provided, single submitter. Criteria: Ambry Variant Classification Scheme 2023. Collection method: clinical testing. Allele origin: germline.
Comment: The p.F28S variant (also known as c.83T>C), located in coding exon 1 of the DICER1 gene, results from a T to C substitution at nucleotide position 83. The phenylalanine at codon 28 is replaced by serine, an amino acid with highly dissimilar properties. In a cohort of 300 deceased patients, who underwent whole genome sequencing for 60 autosomal dominant cancer predisposition genes, this variant was detected and classified as a variant of uncertain significance by the authors. However, the specific phenotype of the patient(s) with this alteration was not reported (He KY et al. PLoS ONE, 2016 Dec;11:e0167847). This amino acid position is highly conserved in available vertebrate species. In addition, this alteration is predicted to be deleterious by in silico analysis. Since supporting evidence is limited at this time, the clinical significance of this alteration remains unclear.

ARUP Laboratories, Molecular Genetics and Genomics, ARUP Laboratories
Classification: Uncertain significance. Last evaluated: 2024-11-13. Review status: criteria provided, single submitter. Criteria: ARUP Molecular Germline Variant Investigation Process 2024. Collection method: clinical testing. Allele origin: germline.
Comment: The DICER1 c.83T>C; p.Phe28Ser variant (rs61729796) is not reported in the medical literature in individuals with DICER1-related disorders but is reported in ClinVar (Variation ID: 412135). This variant is only observed on one allele in the Genome Aggregation Database (v2.1.1), indicating it is not a common polymorphism. Computational analyses are uncertain whether this variant is neutral or deleterious (REVEL: 0.453). Due to limited information, the clinical significance of this variant is uncertain at this time.

Literature cited by the submitters: PubMed 27930734 (cited by Ambry Genetics).